The following is an entry in ClinVar:

NM_005685.4(GTF2IRD1):c.266-20G>A

Gene: GTF2IRD1 (GTF2I repeat domain containing 1; plus strand). Cytogenetic location: 7q11.23.
Variant type: single nucleotide variant.
Coding change: c.266-20G>A on transcript NM_005685.4 (MANE Select); 20 bases into the intron before coding-DNA position 266, G replaced by A.
Molecular consequence: intron variant. On other transcripts: synonymous variant (1).
Genome position (GRCh38, 1-based): chr7:74,515,421, G>A. VCF-style: chr7-74515421-G-A. GRCh37 (hg19) VCF-style: chr7-73929751-G-A.
Other names: c.342G>A (NM_001199207.1); c.342G>A, p.Ser114= (NM_001199207.2); c.266-20G>A (NM_016328.3).
Identifiers: ClinVar variation 1176228 (VCV001176228.36), dbSNP rs138159923, ClinGen allele CA4296457.
Genomic context (GRCh38, chr7:74,515,421, plus strand): 5'-CAGGGCAGCGACATCCCAGCTCGAAGGCCGGGTGGTGAGACGGGTGCTCACTGTGGCCTC[G>A]CGTGCTCTGTGTCCCACAGGAGGGCCCCCGTGGAAGGATCCGGAGGCAGAGCACCCCAAG-3'

ClinVar aggregate classification (germline): Likely benign. Review status: criteria provided, multiple submitters, no conflicts (2 of 4 stars). 3 submissions from 3 submitters: Likely benign (2). 1 of the submissions does not count toward it. Last evaluated 2026-04-01.

Conditions:
GTF2IRD1-related disorder. Also called: GTF2IRD1-related condition.

Allele frequency attached by ClinVar (database versions not stated): 1000 Genomes Project 30x 0.00187; 1000 Genomes Project 0.00200; ESP Exome Variant Server 0.00455.
gnomAD v4.1: 9,547 of 1,563,280 alleles (0.61%); highest among the groups gnomAD compares: Non-Finnish European, 0.73%; 46 homozygotes.

Submissions (3):

CeGaT Center for Human Genetics Tuebingen
Classification: Likely benign. Last evaluated: 2026-04-01. Review status: criteria provided, single submitter. Criteria: CeGaT Center For Human Genetics Tuebingen Variant Classification Criteria Version 2. Collection method: clinical testing. Allele origin: germline. Affected: yes. Observed: 11 variant alleles.
Comment: GTF2IRD1: BP4, BP7, BS2

Breakthrough Genomics
Classification: Likely benign. Review status: criteria provided, single submitter. Criteria: ACMG Guidelines, 2015. Collection method: not provided. Allele origin: germline. Inheritance: Unknown mechanism. Affected: yes.

PreventionGenetics, part of Exact Sciences
Classification: Benign for GTF2IRD1-related condition. Last evaluated: 2019-05-08. Review status: no assertion criteria provided. Collection method: clinical testing. Allele origin: germline. Not counted in ClinVar's aggregate classification.
Comment: This variant is classified as benign based on ACMG/AMP sequence variant interpretation guidelines (Richards et al. 2015 PMID: 25741868, with internal and published modifications).